The following is an entry in ClinVar:

ClinVar aggregate classification (germline): Uncertain significance (1 of 4 stars; one submission).

Conditions:
RASopathy. Also called: Noonan spectrum disorder; rasopathies. Identifiers: Orphanet 536391, MedGen C5555857, MONDO:0021060.

Allele frequency attached by ClinVar (database versions not stated): gnomAD exomes below 0.00001.
gnomAD v4.1: 1 of 1,613,968 alleles (0.000062%); highest among the groups gnomAD compares: Non-Finnish European, 0.000085%; no homozygotes.

Submission:

Labcorp Genetics (formerly Invitae), Labcorp
Classification: Uncertain significance for RASopathy. Last evaluated: 2021-11-07. Review status: criteria provided, single submitter. Criteria: Invitae Variant Classification Sherloc (09022015). Collection method: clinical testing. Allele origin: germline.
Comment: In summary, the available evidence is currently insufficient to determine the role of this variant in disease. Therefore, it has been classified as a Variant of Uncertain Significance. Advanced modeling of protein sequence and biophysical properties (such as structural, functional, and spatial information, amino acid conservation, physicochemical variation, residue mobility, and thermodynamic stability) performed at Invitae indicates that this missense variant is not expected to disrupt RAF1 protein function. This variant has not been reported in the literature in individuals affected with RAF1-related conditions. This variant is not present in population databases (gnomAD no frequency). This sequence change replaces glutamic acid, which is acidic and polar, with glutamine, which is neutral and polar, at codon 219 of the RAF1 protein (p.Glu219Gln).

NM_002880.4(RAF1):c.655G>C (p.Glu219Gln)

Gene: RAF1 (Raf-1 proto-oncogene, serine/threonine kinase; minus strand). Cytogenetic location: 3p25.2.
Variant type: single nucleotide variant.
Coding change: c.655G>C on transcript NM_002880.4 (MANE Select); coding-DNA position 655, G replaced by C.
Protein change: p.Glu219Gln; replaces glutamic acid 219 with glutamine.
Molecular consequence: missense variant. On other transcripts: non-coding transcript variant (3), intron variant (2).
Genome position (GRCh38, 1-based): chr3:12,606,226, C>G on the plus strand (G>C on the coding strand, the complement: RAF1 is on the minus strand). VCF-style: chr3-12606226-C-G. GRCh37 (hg19) VCF-style: chr3-12647725-C-G.
Other names: c.655G>C, p.Glu219Gln (NM_001354689.3, NM_001354690.3); c.412G>C, p.Glu138Gln (NM_001354691.3, NM_001354692.3, NM_001354694.3); c.339-1937G>C (NM_001354695.3); c.582-1937G>C (NM_001354693.3); short protein forms E138Q, E219Q.
Identifiers: ClinVar variation 1492402 (VCV001492402.6), dbSNP rs2059024431, ClinGen allele CA351514387.
Genomic context (GRCh38, chr3:12,606,226, plus strand): 5'-ACTTTCTAAAAGAAAAGCTATAGGTAAAAAATTACCTAACAGGCATCCTGGAAACAGACT[C>G]TCGCATACGACGCATAGTCAAAGAAGGTAGTGCTGGGACTCCACTATCACCAATAGTGGA-3'
Protein context (NP_002871.1, residues 209-229): LPSLTMRRMR[Glu219Gln]SVSRMPVSSQ